The following is an entry in ClinVar:

NM_004517.4(ILK):c.478A>G (p.Asn160Asp)

Genes: ILK (integrin linked kinase; plus strand), TAF10 (TATA-box binding protein associated factor 10; minus strand). Cytogenetic location: 11p15.4.
Variant type: single nucleotide variant.
Coding change: c.478A>G on transcript NM_004517.4 (MANE Select); coding-DNA position 478, A replaced by G.
Protein change: p.Asn160Asp; replaces asparagine 160 with aspartic acid.
Molecular consequence: missense variant. On other transcripts: synonymous variant (1), 3 prime UTR variant (1).
Genome position (GRCh38, 1-based): chr11:6,608,913, A>G. VCF-style: chr11-6608913-A-G. GRCh37 (hg19) VCF-style: chr11-6630144-A-G.
Other names: c.478A>G, p.Asn160Asp (NM_001014794.3, NM_001014795.3); c.381A>G, p.Ser127= (NM_001278441.2); c.76A>G, p.Asn26Asp (NM_001278442.2); c.*2009T>C (NM_006284.4); short protein forms N160D, N26D.
Identifiers: ClinVar variation 1743083 (VCV001743083.2), dbSNP rs2493768007, ClinGen allele CA379459732.

ClinVar aggregate classification (germline): Uncertain significance (1 of 4 stars; one submission).

Allele frequency attached by ClinVar (database versions not stated): gnomAD exomes below 0.00001.
gnomAD v4.1: 1 of 1,613,984 alleles (0.000062%); highest among the groups gnomAD compares: Non-Finnish European, 0.000085%; no homozygotes.

Submission:

Ambry Genetics
Classification: Uncertain significance. Last evaluated: 2021-12-23. Review status: criteria provided, single submitter. Criteria: Ambry Variant Classification Scheme 2023. Collection method: clinical testing. Allele origin: germline.
Comment: The p.N160D variant (also known as c.478A>G), located in coding exon 5 of the ILK gene, results from an A to G substitution at nucleotide position 478. The asparagine at codon 160 is replaced by aspartic acid, an amino acid with highly similar properties. This amino acid position is conserved. In addition, this alteration is predicted to be tolerated by in silico analysis. Since supporting evidence is limited at this time, the clinical significance of this alteration remains unclear.